The following is an entry in ClinVar:

ClinVar aggregate classification (germline): Uncertain significance (1 of 4 stars; one submission).

Conditions:
Autoimmune lymphoproliferative syndrome type 2A (ALPS2A). Also called: Autoimmune lymphoproliferative syndrome type 2; CASP10-Related Autoimmune Lymphoproliferative Syndrome; AUTOIMMUNE LYMPHOPROLIFERATIVE SYNDROME, TYPE IIA. Identifiers: Orphanet 3261, MedGen C1858968, MONDO:0011383, OMIM 603909.

Submission:

Labcorp Genetics (formerly Invitae), Labcorp
Classification: Uncertain significance for Autoimmune lymphoproliferative syndrome type 2A. Last evaluated: 2022-02-05. Review status: criteria provided, single submitter. Criteria: Invitae Variant Classification Sherloc (09022015). Collection method: clinical testing. Allele origin: germline.
Comment: In summary, the available evidence is currently insufficient to determine the role of this variant in disease. Therefore, it has been classified as a Variant of Uncertain Significance. This variant has not been reported in the literature in individuals affected with CASP10-related conditions. This variant results in the deletion of deletion of exon 8 and part of exon 9 (c.813+712_1308del) of the CASP10 gene. It is expected to disrupt RNA splicing. Variants that disrupt the donor or acceptor splice site typically lead to a loss of protein function (PMID: 16199547), however the current clinical and genetic evidence is not sufficient to establish whether loss-of-function variants in CASP10 cause disease.

Literature cited by the submitters: PubMed 16199547.

NC_000002.11:g.(?_202071408)_(202074178_?)del

Gene: CASP10 (caspase 10; plus strand). Cytogenetic location: 2q33.1.
Variant type: Deletion.
Identifiers: ClinVar variation 1412606 (VCV001412606.5).